The following is an entry in ClinVar:

ClinVar aggregate classification (germline): Likely benign. Review status: criteria provided, multiple submitters, no conflicts (2 of 4 stars). 2 submissions from 2 submitters: Likely benign (2). Last evaluated 2025-12-01.

Allele frequency attached by ClinVar (database versions not stated): gnomAD exomes 0.00006 and 0.00015; TOPMed 0.00006; gnomAD 0.00010 and 0.00011; ExAC 0.00012; ESP Exome Variant Server 0.00015; 1000 Genomes Project 0.00020; 1000 Genomes Project 30x 0.00031.

Submissions (2):

CeGaT Center for Human Genetics Tuebingen
Classification: Likely benign. Last evaluated: 2025-12-01. Review status: criteria provided, single submitter. Criteria: CeGaT Center For Human Genetics Tuebingen Variant Classification Criteria Version 2. Collection method: clinical testing. Allele origin: germline. Affected: yes. Observed: 2 variant alleles.
Comment: DLL1: BP4, BP7

Labcorp Genetics (formerly Invitae), Labcorp
Classification: Likely benign. Last evaluated: 2025-08-23. Review status: criteria provided, single submitter. Criteria: Invitae Variant Classification Sherloc (09022015). Collection method: clinical testing. Allele origin: germline.

NM_005618.4(DLL1):c.1335C>T (p.Asp445=)

Gene: DLL1 (delta like canonical Notch ligand 1; minus strand). Cytogenetic location: 6q27.
Variant type: single nucleotide variant.
Coding change: c.1335C>T on transcript NM_005618.4 (MANE Select); coding-DNA position 1335, C replaced by T.
Protein change: p.Asp445=; no amino-acid change (aspartic acid 445 retained).
Molecular consequence: synonymous variant.
Genome position (GRCh38, 1-based): chr6:170,283,944, G>A on the plus strand (C>T on the coding strand, the complement: DLL1 is on the minus strand). VCF-style: chr6-170283944-G-A. GRCh37 (hg19) VCF-style: chr6-170593032-G-A.
Identifiers: ClinVar variation 774870 (VCV000774870.12), dbSNP rs374750063, ClinGen allele CA4106855.